The following is an entry in ClinVar:

NM_004958.4(MTOR):c.3555dup (p.Lys1186fs)

Gene: MTOR (mechanistic target of rapamycin kinase; minus strand). Cytogenetic location: 1p36.22.
Variant type: Duplication.
Coding change: c.3555dup on transcript NM_004958.4 (MANE Select); coding-DNA position 3555, one base duplicated (G; older notation c.3555dupG).
Protein change: p.Lys1186fs; shifts the reading frame from lysine 1186.
Molecular consequence: frameshift variant.
Genome position (GRCh38, 1-based): chr1:11,212,318, C duplicated on the plus strand (G on the coding strand, the reverse complement: MTOR is on the minus strand); the first of 4 consecutive C bases (chr1:11,212,318-11,212,321); duplicating any one gives the same sequence. VCF-style (leftmost placement, unchanged base first): chr1-11212317-T-TC. GRCh37 (hg19) VCF-style: chr1-11272374-T-TC.
Other names: c.3555dup, p.Lys1186fs (NM_001386500.1); c.2307dup, p.Lys770fs (NM_001386501.1); short protein forms K1186fs, K770fs.
Identifiers: ClinVar variation 2844500 (VCV002844500.3), dbSNP rs2523104597, ClinGen allele CA2739272275.

ClinVar aggregate classification (germline): Uncertain significance (1 of 4 stars; one submission).

Submission:

Labcorp Genetics (formerly Invitae), Labcorp
Classification: Uncertain significance. Last evaluated: 2023-03-09. Review status: criteria provided, single submitter. Criteria: Invitae Variant Classification Sherloc (09022015). Collection method: clinical testing. Allele origin: germline.
Comment: In summary, the available evidence is currently insufficient to determine the role of this variant in disease. Therefore, it has been classified as a Variant of Uncertain Significance. Experimental studies and prediction algorithms are not available or were not evaluated, and the functional significance of this variant is currently unknown. This variant has not been reported in the literature in individuals affected with MTOR-related conditions. This variant is not present in population databases (gnomAD no frequency). This sequence change creates a premature translational stop signal (p.Lys1186Glufs*12) in the MTOR gene. It is expected to result in an absent or disrupted protein product. However, the current clinical and genetic evidence is not sufficient to establish whether loss-of-function variants in MTOR cause disease.